The following is an entry in ClinVar:

NM_001034853.2(RPGR):c.2536dup (p.Glu846fs)

Gene: RPGR (retinitis pigmentosa GTPase regulator; minus strand). Cytogenetic location: Xp11.4.
Variant type: Duplication.
Coding change: c.2536dup on transcript NM_001034853.2 (MANE Select); coding-DNA position 2536, one base duplicated (G; older notation c.2536dupG).
Protein change: p.Glu846fs; shifts the reading frame from glutamic acid 846.
Molecular consequence: frameshift variant. On other transcripts: intron variant (8).
Genome position (GRCh38, 1-based): chrX:38,286,463, C duplicated on the plus strand (G on the coding strand, the reverse complement: RPGR is on the minus strand); the first of 2 consecutive C bases (chrX:38,286,463-38,286,464); duplicating either gives the same sequence. VCF-style (leftmost placement, unchanged base first): chrX-38286462-T-TC. GRCh37 (hg19) VCF-style: chrX-38145715-T-TC.
Other names: c.1569+4496dup (NM_001367249.1, NM_001367250.1); c.1902+631dup (NM_001367245.1); c.1386+4496dup (NM_001367251.1); c.1719+631dup (NM_001367246.1); c.1572+4496dup (NM_001367247.1); c.1905+631dup (NM_000328.3); c.1602+4496dup (NM_001367248.1); short protein forms E846fs.
Identifiers: ClinVar variation 2430146 (VCV002430146.4), dbSNP rs2519789982, ClinGen allele CA2579584440.
Genomic context (GRCh38, chrX:38,286,462, plus strand): 5'-TCTCCTTCTTCCCCTTCTTCCTCCCCTTTCCCTTCTCCTTCCTCCTCTTCCCCCTCCCCT[T>TC]CCTCCTCTTCCCCCTCCCCTTCCTCCTCTTCCCCCTCACCCTCCTCCTCTTCCTCTTCCC-3'

ClinVar aggregate classification (germline): Pathogenic/Likely pathogenic. Review status: criteria provided, multiple submitters, no conflicts (2 of 4 stars). 3 submissions from 3 submitters: Pathogenic (1); Likely pathogenic (1). 1 of the submissions does not count toward it. Last evaluated 2024-03-01.

Conditions:
Primary ciliary dyskinesia. Also called: Ciliary dyskinesia. Identifiers: Orphanet 244, MedGen C0008780, MONDO:0016575, HP:0012265.
X-linked cone-rod dystrophy. Identifiers: MedGen CN323387, MONDO:0021155.
RPGR-related disorder. Also called: RPGR-related condition.

Submissions (3):

Labcorp Genetics (formerly Invitae), Labcorp
Classification: Pathogenic for Primary ciliary dyskinesia. Last evaluated: 2024-03-01. Review status: criteria provided, single submitter. Criteria: Invitae Variant Classification Sherloc (09022015). Collection method: clinical testing. Allele origin: germline.
Comment: This sequence change creates a premature translational stop signal (p.Glu846Glyfs*233) in the RPGR (ORF15) gene. While this is not anticipated to result in nonsense mediated decay, it is expected to disrupt the last 307 amino acid(s) of the RPGR (ORF15) protein. The frequency data for this variant in the population databases is considered unreliable, as metrics indicate insufficient coverage at this position in the gnomAD database. This variant has not been reported in the literature in individuals affected with RPGR (ORF15)-related conditions. ClinVar contains an entry for this variant (Variation ID: 2430146). This variant disrupts a region of the RPGR (ORF15) protein in which other variant(s) (p.Leu1130Lysfs*13) have been determined to be pathogenic (PMID: 22264887; Invitae). This suggests that this is a clinically significant region of the protein, and that variants that disrupt it are likely to be disease-causing. For these reasons, this variant has been classified as Pathogenic.

Blueprint Genetics
Classification: Likely pathogenic for RPGR-related disorders. Last evaluated: 2020-11-17. Review status: criteria provided, single submitter. Criteria: ACMG Guidelines, 2015. Collection method: clinical testing. Allele origin: germline. Affected: yes. Observed: 1 variant allele.

Genetic Eye Disease Investigation Unit, University of Auckland
Classification: Likely pathogenic for X-LINKED ROD CONE DYSTROPHY. Last evaluated: 2023-01-03. Review status: no assertion criteria provided. Collection method: clinical testing. Allele origin: paternal. Affected: yes. Observed: 1 variant allele. Not counted in ClinVar's aggregate classification.

Literature cited by the submitters: PubMed 22264887 (cited by Labcorp Genetics (formerly Invitae), Labcorp).